The following is an entry in ClinVar:

ClinVar aggregate classification (germline): Uncertain significance (1 of 4 stars; one submission).

Submission:

Labcorp Genetics (formerly Invitae), Labcorp
Classification: Uncertain significance. Last evaluated: 2022-03-03. Review status: criteria provided, single submitter. Criteria: Invitae Variant Classification Sherloc (09022015). Collection method: clinical testing. Allele origin: germline.
Comment: In summary, the available evidence is currently insufficient to determine the role of this variant in disease. Therefore, it has been classified as a Variant of Uncertain Significance. Algorithms developed to predict the effect of missense changes on protein structure and function are either unavailable or do not agree on the potential impact of this missense change (SIFT: "Deleterious"; PolyPhen-2: "Possibly Damaging"; Align-GVGD: "Class C0"). This variant has not been reported in the literature in individuals affected with POLE-related conditions. This variant is not present in population databases (gnomAD no frequency). This sequence change replaces methionine, which is neutral and non-polar, with arginine, which is basic and polar, at codon 1748 of the POLE protein (p.Met1748Arg).

NM_006231.4(POLE):c.5243T>G (p.Met1748Arg)

Gene: POLE (DNA polymerase epsilon, catalytic subunit; minus strand). Cytogenetic location: 12q24.33.
Variant type: single nucleotide variant.
Coding change: c.5243T>G on transcript NM_006231.4 (MANE Select); coding-DNA position 5243, T replaced by G.
Protein change: p.Met1748Arg; replaces methionine 1748 with arginine.
Molecular consequence: missense variant.
Genome position (GRCh38, 1-based): chr12:132,641,782, A>C on the plus strand (T>G on the coding strand, the complement: POLE is on the minus strand). VCF-style: chr12-132641782-A-C. GRCh37 (hg19) VCF-style: chr12-133218368-A-C.
Other names: short protein forms M1748R.
Identifiers: ClinVar variation 2106471 (VCV002106471.4), dbSNP rs759249822, ClinGen allele CA387376358.